The following is an entry in ClinVar:

ClinVar aggregate classification (germline): Likely pathogenic (1 of 4 stars; one submission).

Submission:

Labcorp Genetics (formerly Invitae), Labcorp
Classification: Likely pathogenic. Last evaluated: 2023-07-03. Review status: criteria provided, single submitter. Criteria: Invitae Variant Classification Sherloc (09022015). Collection method: clinical testing. Allele origin: germline.
Comment: This sequence change affects an acceptor splice site in intron 38 of the EYS gene. It is expected to disrupt RNA splicing. Variants that disrupt the donor or acceptor splice site typically lead to a loss of protein function (PMID: 16199547), and loss-of-function variants in EYS are known to be pathogenic (PMID: 18836446, 20333770). This variant is not present in population databases (gnomAD no frequency). Disruption of this splice site has been observed in individual(s) with EYS-related conditions (PMID: 26161267). ClinVar contains an entry for this variant (Variation ID: 2136426). Algorithms developed to predict the effect of sequence changes on RNA splicing suggest that this variant may disrupt the consensus splice site. In summary, the currently available evidence indicates that the variant is pathogenic, but additional data are needed to prove that conclusively. Therefore, this variant has been classified as Likely Pathogenic.

Literature cited by the submitters: PubMed 16199547; PubMed 18836446; PubMed 20333770; PubMed 26161267.

NM_001142800.2(EYS):c.7579-1G>T

Gene: EYS (EGF-like photoreceptor maintenance factor; minus strand). Cytogenetic location: 6q12.
Variant type: single nucleotide variant.
Coding change: c.7579-1G>T on transcript NM_001142800.2 (MANE Select); the canonical splice acceptor site of the intron before coding-DNA position 7579, G replaced by T.
Molecular consequence: splice acceptor variant.
Genome position (GRCh38, 1-based): chr6:63,788,250, C>A on the plus strand (G>T on the coding strand, the complement: EYS is on the minus strand). VCF-style: chr6-63788250-C-A. GRCh37 (hg19) VCF-style: chr6-64498143-C-A.
Other names: c.7579-1G>T (NM_001292009.2).
Identifiers: ClinVar variation 2136426 (VCV002136426.4), dbSNP rs2533540151, ClinGen allele CA364385555.
Genomic context (GRCh38, chr6:63,788,250, plus strand): 5'-GACATTGAGACCAACCAGTCTTCCTGGGGCGATAATGGATTTATTTTTATGATCATCTAC[C>A]TTCGAAAGGGAAAAAAAACCTATTAAAAAAGGAATTAATTCCCCAGGGTGAAATGTTAAG-3'